The following is an entry in ClinVar:

ClinVar aggregate classification (germline): Likely pathogenic. Review status: criteria provided, multiple submitters, no conflicts (2 of 4 stars). 2 submissions from 2 submitters: Likely pathogenic (2). Last evaluated 2024-10-11.

Conditions:
Spongy degeneration of central nervous system. Also called: ACY2 DEFICIENCY; AMINOACYLASE 2 DEFICIENCY; ASP DEFICIENCY; ASPA DEFICIENCY; ASPARTOACYLASE DEFICIENCY; CANAVAN-VAN BOGAERT-BERTRAND DISEASE. Identifiers: Orphanet 141, MedGen C0206307, MONDO:0010079, OMIM 271900.

Submissions (2):

Natera, Inc.
Classification: Likely pathogenic for Canavan Disease. Last evaluated: 2024-10-11. Review status: criteria provided, single submitter. Criteria: Natera Variant Classification Schema (03/2026). Collection method: clinical testing. Allele origin: germline.
Comment: The c.487A>T variant in ASPA is a nonsense variant predicted to introduce a stop codon at amino acid 163. This variant is expected to result in nonsense mediated decay, truncation, or a dysfunctional protein product. This variant is rare in the general population with a frequency below the threshold expected for the associated phenotype(s). Given the available evidence, this variant is classified as Likely Pathogenic.

Kariminejad - Najmabadi Pathology & Genetics Center
Classification: Likely pathogenic for Spongy degeneration of central nervous system. Review status: criteria provided, single submitter. Criteria: ACMG Guidelines, 2015. Collection method: clinical testing. Allele origin: germline. Affected: no.

NM_000049.4(ASPA):c.487A>T (p.Lys163Ter)

Genes: ASPA (aspartoacylase; plus strand), SPATA22 (spermatogenesis associated 22; minus strand). Cytogenetic location: 17p13.2.
Variant type: single nucleotide variant.
Coding change: c.487A>T on transcript NM_000049.4 (MANE Select); coding-DNA position 487, A replaced by T.
Protein change: p.Lys163Ter; replaces lysine 163 with a stop codon.
Molecular consequence: nonsense. On other transcripts: intron variant (2).
Genome position (GRCh38, 1-based): chr17:3,483,553, A>T. VCF-style: chr17-3483553-A-T. GRCh37 (hg19) VCF-style: chr17-3386847-A-T.
Other names: c.487A>T, p.Lys163Ter (NM_001128085.1); c.-73-14155T>A (NM_001321336.2, NM_001321337.2); short protein forms K163*.
Identifiers: ClinVar variation 4818449 (VCV004818449.2).